The following is an entry in ClinVar:

NM_004055.5(CAPN5):c.1649G>A (p.Arg550His)

Gene: CAPN5 (calpain 5; plus strand). Cytogenetic location: 11q13.5.
Variant type: single nucleotide variant.
Coding change: c.1649G>A on transcript NM_004055.5 (MANE Select); coding-DNA position 1649, G replaced by A.
Protein change: p.Arg550His; replaces arginine 550 with histidine.
Molecular consequence: missense variant.
Genome position (GRCh38, 1-based): chr11:77,122,621, G>A. VCF-style: chr11-77122621-G-A. GRCh37 (hg19) VCF-style: chr11-76833667-G-A.
Other names: short protein forms R550H.
Identifiers: ClinVar variation 1054829 (VCV001054829.32), dbSNP rs782717683, ClinGen allele CA6196865.

ClinVar aggregate classification (germline): Conflicting classifications of pathogenicity. Review status: criteria provided, conflicting classifications (1 of 4 stars). 3 submissions from 3 submitters: Uncertain significance (1); Likely benign (2). Last evaluated 2025-10-29.

gnomAD v4.1: 79 of 1,601,698 alleles (0.0049%); highest among the groups gnomAD compares: South Asian, 0.024%; 1 homozygote.

Submissions (3):

Labcorp Genetics (formerly Invitae), Labcorp
Classification: Uncertain significance. Last evaluated: 2025-10-29. Review status: criteria provided, single submitter. Criteria: Invitae Variant Classification Sherloc (09022015). Collection method: clinical testing. Allele origin: germline.
Comment: This sequence change replaces arginine, which is basic and polar, with histidine, which is basic and polar, at codon 550 of the CAPN5 protein (p.Arg550His). This variant is present in population databases (rs782717683, gnomAD 0.04%), and has an allele count higher than expected for a pathogenic variant. This variant has not been reported in the literature in individuals affected with CAPN5-related conditions. ClinVar contains an entry for this variant (Variation ID: 1054829). An algorithm developed to predict the effect of missense changes on protein structure and function outputs the following: PolyPhen-2: "Benign". The histidine amino acid residue is found in multiple mammalian species, which suggests that this missense change does not adversely affect protein function. In summary, the available evidence is currently insufficient to determine the role of this variant in disease. Therefore, it has been classified as a Variant of Uncertain Significance.

Blueprint Genetics
Classification: Likely benign. Last evaluated: 2023-09-25. Review status: criteria provided, single submitter. Criteria: ACMG Guidelines, 2015. Collection method: clinical testing. Allele origin: germline.

CeGaT Center for Human Genetics Tuebingen
Classification: Likely benign. Last evaluated: 2023-09-01. Review status: criteria provided, single submitter. Criteria: CeGaT Center For Human Genetics Tuebingen Variant Classification Criteria Version 2. Collection method: clinical testing. Allele origin: germline. Affected: yes. Observed: 1 variant allele.
Comment: CAPN5: BP4